The following is an entry in ClinVar:

NM_194454.3(KRIT1):c.1440C>G (p.Pro480=)

Gene: KRIT1 (KRIT1 ankyrin repeat containing; minus strand). Cytogenetic location: 7q21.2.
Variant type: single nucleotide variant.
Coding change: c.1440C>G on transcript NM_194454.3 (MANE Select); coding-DNA position 1440, C replaced by G.
Protein change: p.Pro480=; no amino-acid change (proline 480 retained).
Molecular consequence: synonymous variant.
Genome position (GRCh38, 1-based): chr7:92,222,025, G>C on the plus strand (C>G on the coding strand, the complement: KRIT1 is on the minus strand). VCF-style: chr7-92222025-G-C. GRCh37 (hg19) VCF-style: chr7-91851339-G-C.
Other names: c.1296C>G, p.Pro432= (NM_001013406.2, NM_001350669.1, NM_001350670.1); c.726C>G, p.Pro242= (NM_001350671.1); c.1440C>G, p.Pro480= (NM_001350672.1, NM_001350673.1, NM_001350674.1 and 26 more transcripts).
Identifiers: ClinVar variation 4874185 (VCV004874185.2).

ClinVar aggregate classification (germline): Likely benign (1 of 4 stars; one submission).

gnomAD v4.1: 1 of 1,613,682 alleles (0.000062%); highest among the groups gnomAD compares: Non-Finnish European, 0.000085%; no homozygotes.

Submission:

CeGaT Center for Human Genetics Tuebingen
Classification: Likely benign. Last evaluated: 2026-06-01. Review status: criteria provided, single submitter. Criteria: CeGaT Center For Human Genetics Tuebingen Variant Classification Criteria Version 2. Collection method: clinical testing. Allele origin: germline. Affected: yes. Observed: 1 variant allele.
Comment: KRIT1: BP4, BP7